The following is an entry in ClinVar:

NM_000195.5(HPS1):c.1755G>A (p.Leu585=)

Gene: HPS1 (HPS1 biogenesis of lysosomal organelles complex 3 subunit 1; minus strand). Cytogenetic location: 10q24.2.
Variant type: single nucleotide variant.
Coding change: c.1755G>A on transcript NM_000195.5 (MANE Select); coding-DNA position 1755, G replaced by A.
Protein change: p.Leu585=; no amino-acid change (leucine 585 retained).
Molecular consequence: synonymous variant.
Genome position (GRCh38, 1-based): chr10:98,420,147, C>T on the plus strand (G>A on the coding strand, the complement: HPS1 is on the minus strand). VCF-style: chr10-98420147-C-T. GRCh37 (hg19) VCF-style: chr10-100179904-C-T.
Other names: c.783G>A, p.Leu261= (NM_001311345.2, NM_001322487.2, NM_001322489.2); c.1755G>A, p.Leu585= (NM_001322476.2, NM_001322477.2); c.1656G>A, p.Leu552= (NM_001322478.2, NM_001322479.2); c.1494G>A, p.Leu498= (NM_001322480.2, NM_001322481.2); c.1395G>A, p.Leu465= (NM_001322482.2); c.1386G>A, p.Leu462= (NM_001322483.2, NM_001322484.2); c.1287G>A, p.Leu429= (NM_001322485.2).
Identifiers: ClinVar variation 1134136 (VCV001134136.27), dbSNP rs766753028, ClinGen allele CA5638893.

ClinVar aggregate classification (germline): Likely benign. Review status: criteria provided, multiple submitters, no conflicts (2 of 4 stars). 2 submissions from 2 submitters: Likely benign (2). Last evaluated 2026-01-13.

Allele frequency attached by ClinVar (database versions not stated): ExAC 0.00001; gnomAD exomes 0.00002 and 0.00003; gnomAD 0.00003; TOPMed 0.00003.
gnomAD v4.1: 50 of 1,612,696 alleles (0.0031%); highest among the groups gnomAD compares: Non-Finnish European, 0.004%; no homozygotes.

Submissions (2):

Labcorp Genetics (formerly Invitae), Labcorp
Classification: Likely benign. Last evaluated: 2026-01-13. Review status: criteria provided, single submitter. Criteria: Invitae Variant Classification Sherloc (09022015). Collection method: clinical testing. Allele origin: germline.

CeGaT Center for Human Genetics Tuebingen
Classification: Likely benign. Last evaluated: 2024-05-01. Review status: criteria provided, single submitter. Criteria: CeGaT Center For Human Genetics Tuebingen Variant Classification Criteria Version 2. Collection method: clinical testing. Allele origin: germline. Affected: yes. Observed: 1 variant allele.
Comment: HPS1: BP4, BP7